The following is an entry in ClinVar:

ClinVar aggregate classification (germline): Uncertain significance (1 of 4 stars; one submission).

Conditions:
Familial thoracic aortic aneurysm and aortic dissection (TAAD). Also called: Thoracic aortic aneurysms and dissections. Identifiers: Orphanet 91387, MedGen C4707243, MONDO:0019625.

Submission:

Ambry Genetics
Classification: Uncertain significance for Familial thoracic aortic aneurysm and aortic dissection. Last evaluated: 2026-08-31. Review status: criteria provided, single submitter. Criteria: Ambry Variant Classification Scheme 2023. Collection method: clinical testing. Allele origin: germline.
Comment: The p.H701D variant (also known as c.2101C>G), located in coding exon 16 of the FBN2 gene, results from a C to G substitution at nucleotide position 2101. The histidine at codon 701 is replaced by aspartic acid, an amino acid with similar properties. This amino acid position is conserved. In addition, this alteration is predicted to be deleterious by in silico analysis. Based on the available evidence, the clinical significance of this variant remains unclear.

NM_001999.4(FBN2):c.2101C>G (p.His701Asp)

Gene: FBN2 (fibrillin 2; minus strand). Cytogenetic location: 5q23.3.
Variant type: single nucleotide variant.
Coding change: c.2101C>G on transcript NM_001999.4 (MANE Select); coding-DNA position 2101, C replaced by G.
Protein change: p.His701Asp; replaces histidine 701 with aspartic acid.
Molecular consequence: missense variant.
Genome position (GRCh38, 1-based): chr5:128,369,329, G>C on the plus strand (C>G on the coding strand, the complement: FBN2 is on the minus strand). VCF-style: chr5-128369329-G-C. GRCh37 (hg19) VCF-style: chr5-127705022-G-C.
Other names: short protein forms H701D.
Identifiers: ClinVar variation 5021613 (VCV005021613.1).
Genomic context (GRCh38, chr5:128,369,329, plus strand): 5'-CGGGGAAAGGACGCACACACACTCCTTTCTTGATTCCTCCATAGCAGGTACTGCGCATGT[G>C]AGTATCTAAAGGAGATACAAAAACAATGACTTGAGGCAGTGATAGAGACAAAGAGATTTC-3'
Protein context (NP_001990.2, residues 691-711): GMDGRVCVDT[His701Asp]MRSTCYGGIK